The following is an entry in ClinVar:

NM_002602.4(PDE6G):c.247C>T (p.Gln83Ter)

Gene: PDE6G (phosphodiesterase 6G; minus strand). Cytogenetic location: 17q25.3.
Variant type: single nucleotide variant.
Coding change: c.247C>T on transcript NM_002602.4 (MANE Select); coding-DNA position 247, C replaced by T.
Protein change: p.Gln83Ter; replaces glutamine 83 with a stop codon.
Molecular consequence: nonsense. On other transcripts: non-coding transcript variant (2).
Genome position (GRCh38, 1-based): chr17:81,651,091, G>A on the plus strand (C>T on the coding strand, the complement: PDE6G is on the minus strand). VCF-style: chr17-81651091-G-A. GRCh37 (hg19) VCF-style: chr17-79618121-G-A.
Other names: c.247C>T, p.Gln83Ter (NM_001365724.1, NM_001365725.1); short protein forms Q83*.
Identifiers: ClinVar variation 2096414 (VCV002096414.4), dbSNP rs2509804781, ClinGen allele CA401473765.

ClinVar aggregate classification (germline): Uncertain significance (1 of 4 stars; one submission).

Submission:

Labcorp Genetics (formerly Invitae), Labcorp
Classification: Uncertain significance. Last evaluated: 2022-02-11. Review status: criteria provided, single submitter. Criteria: Invitae Variant Classification Sherloc (09022015). Collection method: clinical testing. Allele origin: germline.
Comment: Experimental studies and prediction algorithms are not available or were not evaluated, and the functional significance of this variant is currently unknown. In summary, the available evidence is currently insufficient to determine the role of this variant in disease. Therefore, it has been classified as a Variant of Uncertain Significance. This variant has not been reported in the literature in individuals affected with PDE6G-related conditions. This sequence change creates a premature translational stop signal (p.Gln83*) in the PDE6G gene. While this is not anticipated to result in nonsense mediated decay, it is expected to disrupt the last 5 amino acid(s) of the PDE6G protein. This variant is not present in population databases (gnomAD no frequency).